The following is an entry in ClinVar:

NM_001081.4(CUBN):c.645C>T (p.Asp215=)

Genes: CUBN (cubilin; minus strand), LOC126860871 (MED14-independent group 3 enhancer GRCh37_chr10:17157167-17158366; plus strand). Cytogenetic location: 10p13.
Variant type: single nucleotide variant.
Coding change: c.645C>T on transcript NM_001081.4 (MANE Select); coding-DNA position 645, C replaced by T.
Protein change: p.Asp215=; no amino-acid change (aspartic acid 215 retained).
Molecular consequence: synonymous variant.
Genome position (GRCh38, 1-based): chr10:17,115,546, G>A on the plus strand (C>T on the coding strand, the complement: CUBN is on the minus strand). VCF-style: chr10-17115546-G-A. GRCh37 (hg19) VCF-style: chr10-17157545-G-A.
Identifiers: ClinVar variation 2911084 (VCV002911084.5), dbSNP rs778456388, ClinGen allele CA5425546.
Genomic context (GRCh38, chr10:17,115,546, plus strand): 5'-TCGCATTAAATCCTCACAGATGCCATGGACACAGCGTGCCACAGAACCCCCTTCACAGTC[G>A]TCATATTTGGATGCACACTGGGGTCCGTACGTCTCAGGTGGGCAGTGACAACTGTTGGTT-3'
Protein context (NP_001072.2, residues 205-225): TYGPQCASKY[Asp215=]DCEGGSVARC

ClinVar aggregate classification (germline): Likely benign. Review status: criteria provided, single submitter (1 of 4 stars). 2 submissions from 2 submitters: Likely benign (1). 1 of the submissions does not count toward it. Last evaluated 2025-07-14.

Conditions:
Imerslund-Grasbeck syndrome. Also called: Megaloblastic anemia due to inborn errors of metabolism; ENTEROCYTE COBALAMIN MALABSORPTION; ENTEROCYTE INTRINSIC FACTOR RECEPTOR, DEFECT OF; PERNICIOUS ANEMIA, JUVENILE, DUE TO SELECTIVE INTESTINAL MALABSORPTION OF VITAMIN B12, WITH PROTEINURIA; Imerslund-Gräsbeck syndrome. Identifiers: Orphanet 35858, MedGen C4551825, MONDO:0009853.
CUBN-related disorder. Also called: CUBN-related condition.

Allele frequency attached by ClinVar (database versions not stated): TOPMed 0.00003; gnomAD 0.00005.
gnomAD v4.1: 78 of 1,614,134 alleles (0.0048%); highest among the groups gnomAD compares: East Asian, 0.013%; 1 homozygote.

Submissions (2):

Labcorp Genetics (formerly Invitae), Labcorp
Classification: Likely benign for Imerslund-Grasbeck syndrome. Last evaluated: 2025-07-14. Review status: criteria provided, single submitter. Criteria: Invitae Variant Classification Sherloc (09022015). Collection method: clinical testing. Allele origin: germline.

PreventionGenetics, part of Exact Sciences
Classification: Likely benign for CUBN-related condition. Last evaluated: 2024-02-07. Review status: no assertion criteria provided. Collection method: clinical testing. Allele origin: germline. Not counted in ClinVar's aggregate classification.
Comment: This variant is classified as likely benign based on ACMG/AMP sequence variant interpretation guidelines (Richards et al. 2015 PMID: 25741868, with internal and published modifications).